The following is an entry in ClinVar:

ClinVar aggregate classification (germline): Uncertain significance (1 of 4 stars; one submission).

Submission:

Dasa
Classification: Uncertain significance. Last evaluated: 2024-07-30. Review status: criteria provided, single submitter. Criteria: DASA Assertion Criteria. Collection method: clinical testing. Allele origin: germline.
Comment: NM_001271.4(CHD2):c.2551G>A (p.Asp851Asn) is a missense variant that results in the substitution of aspartic acid with asparagine. This variant is absent from population databases. The currently available literature and clinical evidence are not sufficient to establish a definitive association between this variant and the reported condition. Therefore, this variant is classified as a variant of uncertain significance.

NM_001271.4(CHD2):c.2551G>A (p.Asp851Asn)

Gene: CHD2 (chromodomain helicase DNA binding protein 2; plus strand). Cytogenetic location: 15q26.1.
Variant type: single nucleotide variant.
Coding change: c.2551G>A on transcript NM_001271.4 (MANE Select); coding-DNA position 2551, G replaced by A.
Protein change: p.Asp851Asn; replaces aspartic acid 851 with asparagine.
Molecular consequence: missense variant.
Genome position (GRCh38, 1-based): chr15:92,974,924, G>A. VCF-style: chr15-92974924-G-A. GRCh37 (hg19) VCF-style: chr15-93518154-G-A.
Other names: short protein forms D851N.
Identifiers: ClinVar variation 4885879 (VCV004885879.2).